The following is an entry in ClinVar:

ClinVar aggregate classification (germline): Uncertain significance. Review status: criteria provided, multiple submitters, no conflicts (2 of 4 stars). 3 submissions from 3 submitters: Uncertain significance (3). Last evaluated 2024-06-22.

Conditions:
Hereditary breast ovarian cancer syndrome. Also called: Breast and ovarian cancer; Hereditary breast and/or ovarian cancer syndrome; BRCA1- and BRCA2-Associated Hereditary Breast and Ovarian Cancer; Hereditary breast and ovarian cancer syndrome; Hereditary breast and ovarian cancer syndrome (HBOC); Hereditary breast and ovarian cancer. Identifiers: Orphanet 145, MedGen C0677776, MeSH D061325, MONDO:0003582. Disease mechanism: loss of function.
Hereditary cancer-predisposing syndrome. Also called: Tumor predisposition; Hereditary Cancer Syndrome; Hereditary neoplastic syndrome; Neoplastic Syndromes, Hereditary. Identifiers: Orphanet 140162, MedGen C0027672, MeSH D009386, MONDO:0015356.

Submissions (4):

Labcorp Genetics (formerly Invitae), Labcorp
Classification: Uncertain significance for Hereditary breast ovarian cancer syndrome. Last evaluated: 2024-06-22. Review status: criteria provided, single submitter. Criteria: Invitae Variant Classification Sherloc (09022015). Collection method: clinical testing. Allele origin: germline.
Comment: This sequence change replaces methionine, which is neutral and non-polar, with valine, which is neutral and non-polar, at codon 1689 of the BRCA1 protein (p.Met1689Val). This variant is not present in population databases (gnomAD no frequency). This variant has not been reported in the literature in individuals affected with BRCA1-related conditions. ClinVar contains an entry for this variant (Variation ID: 481444). Advanced modeling performed at Invitae incorporating data from internal and/or published experimental studies (PMID: 30209399) indicates that this missense variant is not expected to disrupt BRCA1 function with a negative predictive value of 95%. This variant disrupts the p.Met1689 amino acid residue in BRCA1. Other variant(s) that disrupt this residue have been determined to be pathogenic (PMID: 15172985, 17924331, 20516115, 27272900). This suggests that this residue is clinically significant, and that variants that disrupt this residue are likely to be disease-causing. In summary, the available evidence is currently insufficient to determine the role of this variant in disease. Therefore, it has been classified as a Variant of Uncertain Significance.

Color Diagnostics, LLC DBA Color Health
Classification: Uncertain significance for Hereditary cancer-predisposing syndrome. Last evaluated: 2019-06-16. Review status: criteria provided, single submitter. Criteria: ACMG Guidelines, 2015. Collection method: clinical testing. Allele origin: germline.

Ambry Genetics
Classification: Uncertain significance for Hereditary cancer-predisposing syndrome. Last evaluated: 2016-05-16. Review status: criteria provided, single submitter. Criteria: Ambry Variant Classification Scheme 2023. Collection method: clinical testing. Allele origin: germline.
Comment: The p.M1689V variant (also known as c.5065A>G), located in coding exon 15 of the BRCA1 gene, results from an A to G substitution at nucleotide position 5065. The methionine at codon 1689 is replaced by valine, an amino acid with highly similar properties. A similar alteration at the same codon, p.M1689R (c.5066T>G), has been shown to segregate with disease in a large 3-generation family and lead to a loss-of-function phenotype in both yeast and mammalian transcription assays (Mirkovic N, et al. Cancer Res. 2004 Jun; 64(11):3790-7). This similar alteration has also been classified as likely pathogenic (p>0.9889) by multifactorial analysis, which integrates the following lines of evidence to produce a quantitative likelihood of pathogenicity: in silico prediction models, segregation with disease, tumor characteristics, mutation co-occurrence, and functional assay results (Easton D et al. Am J Hum Genet. 2007;81:873-883; Lindor NM, et al. Hum. Mutat. 2012 Jan; 33(1):8-21). The p.M1689V variant was not reported in population based cohorts in the following databases: Database of Single Nucleotide Polymorphisms (dbSNP), NHLBI Exome Sequencing Project (ESP), and 1000 Genomes Project. In the ESP, this variant was not observed in 6502 samples (13004 alleles) with coverage at this position. To date, this alteration has been detected with an allele frequency of approximately 0.0004% (greater than 225000 alleles tested) in our clinical cohort. This amino acid position is well conserved in available vertebrate species. In addition, the in silico prediction for this alteration is inconclusive. Since supporting evidence is limited at this time, the clinical significance of this alteration remains unclear.

Brotman Baty Institute, University of Washington
No classification provided (evidence only). Condition: Breast-ovarian cancer, familial 1. Review status: no classification provided. Collection method: in vitro. Allele origin: not applicable. Functional consequence: functionally_normal. Not counted in ClinVar's aggregate classification.
ClinVar note: "not provided" was previously submitted as the classification for the variant. However, the classification appeared to be based only on an observation of functional data so it was converted to no classification on 2025-07-30.

Literature cited by the submitters: PubMed 30209399 (cited by Labcorp Genetics (formerly Invitae), Labcorp); PubMed 15172985 (cited by Labcorp Genetics (formerly Invitae), Labcorp); PubMed 17924331 (cited by Labcorp Genetics (formerly Invitae), Labcorp); PubMed 20516115 (cited by Labcorp Genetics (formerly Invitae), Labcorp); PubMed 27272900 (cited by Labcorp Genetics (formerly Invitae), Labcorp).

NM_007294.4(BRCA1):c.5065A>G (p.Met1689Val)

Gene: BRCA1 (BRCA1 DNA repair associated; minus strand). Cytogenetic location: 17q21.31.
Variant type: single nucleotide variant.
Coding change: c.5065A>G on transcript NM_007294.4 (MANE Select); coding-DNA position 5065, A replaced by G.
Protein change: p.Met1689Val; replaces methionine 1689 with valine.
Molecular consequence: missense variant. On other transcripts: non-coding transcript variant (1).
Genome position (GRCh38, 1-based): chr17:43,067,617, T>C on the plus strand (A>G on the coding strand, the complement: BRCA1 is on the minus strand). VCF-style: chr17-43067617-T-C. GRCh37 (hg19) VCF-style: chr17-41219634-T-C.
Other names: c.4852A>G, p.Met1618Val (NM_001407571.1, NM_001407897.1, NM_001407898.1 and 12 more transcripts); c.5131A>G, p.Met1711Val (NM_001407581.1, NM_001407582.1); c.5128A>G, p.Met1710Val (NM_001407583.1, NM_001407585.1, NM_001407587.1 and 1 more transcripts); c.5125A>G, p.Met1709Val (NM_001407590.1, NM_001407591.1); c.5065A>G, p.Met1689Val (NM_001407593.1, NM_001407594.1, NM_001407596.1 and 8 more transcripts); c.5062A>G, p.Met1688Val (NM_001407610.1, NM_001407611.1, NM_001407612.1 and 17 more transcripts); c.5059A>G, p.Met1687Val (NM_001407627.1, NM_001407628.1, NM_001407629.1 and 14 more transcripts); c.5053A>G, p.Met1685Val (NM_001407646.1); and 70 more; short protein forms M1689V, M1710V, M585V, M1642V, M1393V, M1600V, M1601V, M1618V.
Identifiers: ClinVar variation 481444 (VCV000481444.19), dbSNP rs1555579619, ClinGen allele CA10591390.